The following is an entry in ClinVar:

ClinVar aggregate classification (germline): Benign. Review status: criteria provided, single submitter (1 of 4 stars). 2 submissions from 2 submitters: Benign (1). 1 of the submissions does not count toward it. Last evaluated 2019-12-31.

Conditions:
PHOX2A-related disorder. Also called: PHOX2A-related condition.

Submissions (2):

Labcorp Genetics (formerly Invitae), Labcorp
Classification: Benign. Last evaluated: 2019-12-31. Review status: criteria provided, single submitter. Criteria: Invitae Variant Classification Sherloc (09022015). Collection method: clinical testing. Allele origin: germline.

PreventionGenetics, part of Exact Sciences
Classification: Likely benign for PHOX2A-related condition. Last evaluated: 2023-10-26. Review status: no assertion criteria provided. Collection method: clinical testing. Allele origin: germline. Not counted in ClinVar's aggregate classification.
Comment: This variant is classified as likely benign based on ACMG/AMP sequence variant interpretation guidelines (Richards et al. 2015 PMID: 25741868, with internal and published modifications).

NM_005169.4(PHOX2A):c.471GGCGGGCGC[1] (p.158AGA[1])

Gene: PHOX2A (paired like homeobox 2A; minus strand). Cytogenetic location: 11q13.4.
Variant type: Microsatellite.
Coding change: c.471GGCGGGCGC[1] on transcript NM_005169.4 (MANE Select); one copy of the 9-base unit GGCGGGCGC starting at c.471; the reference has two copies in a row; one copy, 9 bases deleted.
Protein change: p.158AGA[1].
Molecular consequence: inframe deletion.
Genome position (GRCh38, 1-based): chr11:72,240,116-72,240,124, GCGCCCGCC deleted on the plus strand (GGCGGGCGC on the coding strand, the reverse complement: PHOX2A is on the minus strand); deleting any 9 consecutive bases within chr11:72,240,116-72,240,139 gives the same sequence; the position shown is the placement nearest the transcript's 3' end. VCF-style (leftmost placement, unchanged base first): chr11-72240115-GGCGCCCGCC-G. GRCh37 (hg19) VCF-style: chr11-71951159-GGCGCCCGCC-G.
Other names: c.480_488del9 (NM_005169.3).
Identifiers: ClinVar variation 768464 (VCV000768464.6), dbSNP rs200556921, ClinGen allele CA6170837.
Genomic context (GRCh38, chr11:72,240,115, plus strand): 5'-GCTGCACGTGGACTCCTTGGAATCGTCGTCCTCGGAGGAGCAGCGCGCCTCGCCCTTTTT[GGCGCCCGCC>G]GCGCCCGCCGCGCCCTTGGCGCTGGCCGCGCGCTCCTGTTTGCGGAACTTGGCCCGGCGG-3'